The following is an entry in ClinVar:

NM_001080826.3(PRAG1):c.2895C>T (p.Arg965=)

Gene: PRAG1 (PEAK1 related, kinase-activating pseudokinase 1). Cytogenetic location: 8p23.1.
Variant type: single nucleotide variant.
Coding change: c.2895C>T on transcript NM_001080826.3 (MANE Select); coding-DNA position 2895, C replaced by T.
Protein change: p.Arg965=; no amino-acid change (arginine 965 retained).
Molecular consequence: synonymous variant. On other transcripts: non-coding transcript variant (1).
Genome position (GRCh38, 1-based): chr8:8,327,887, G>A on the plus strand (C>T on the coding strand, the complement: PRAG1 is on the minus strand). VCF-style: chr8-8327887-G-A. GRCh37 (hg19) VCF-style: chr8-8185403-G-A.
Other names: c.2895C>T, p.Arg965= (NM_001369759.1).
Identifiers: ClinVar variation 2658367 (VCV002658367.24), dbSNP rs778583542, ClinGen allele CA4617412.

ClinVar aggregate classification (germline): Likely benign (1 of 4 stars; one submission).

Allele frequency attached by ClinVar (database versions not stated): gnomAD 0.00001; gnomAD exomes 0.00001; TOPMed 0.00001; ExAC 0.00002.
gnomAD v4.1: 21 of 1,614,120 alleles (0.0013%); highest among the groups gnomAD compares: Middle Eastern, 0.016%; no homozygotes.

Submission:

CeGaT Center for Human Genetics Tuebingen
Classification: Likely benign. Last evaluated: 2022-08-01. Review status: criteria provided, single submitter. Criteria: CeGaT Center For Human Genetics Tuebingen Variant Classification Criteria Version 2. Collection method: clinical testing. Allele origin: germline. Affected: yes. Observed: 1 variant allele.
Comment: PRAG1: BP4, BP7